The following is an entry in ClinVar:

NM_001003722.2(GLE1):c.1542_1555del (p.Arg515fs)

Genes: GLE1 (GLE1 RNA export mediator; plus strand), LOC101929270 (uncharacterized LOC101929270; minus strand). Cytogenetic location: 9q34.11.
Variant type: Deletion.
Coding change: c.1542_1555del on transcript NM_001003722.2 (MANE Select); coding-DNA positions 1542 to 1555, 14 bases deleted (CAGAGTGGGGGACC).
Protein change: p.Arg515fs; shifts the reading frame from arginine 515.
Molecular consequence: frameshift variant.
Genome position (GRCh38, 1-based): chr9:128,533,847-128,533,860, CAGAGTGGGGGACC deleted; deleting any 14 consecutive bases within chr9:128,533,845-128,533,860 gives the same sequence; the c. name uses the placement nearest the transcript's 3' end. VCF-style (leftmost placement, unchanged base first): chr9-128533844-CCCCAGAGTGGGGGA-C. GRCh37 (hg19) VCF-style: chr9-131296123-CCCCAGAGTGGGGGA-C.
Other names: c.1542_1555del, p.Arg515fs (NM_001499.2); short protein forms R515fs.
Identifiers: ClinVar variation 1073672 (VCV001073672.9), dbSNP rs2132509589, ClinGen allele CA2499219662.
Genomic context (GRCh38, chr9:128,533,844, plus strand): 5'-CTCTCACCATGAAGCAGCATTCCCCATTGCAGTTGTGGCATCCGGGATCTGGGAGCTCCA[CCCCAGAGTGGGGGA>C]CCTCATTCTTGCTCATCTACATAAGAAGTGTCCTTACTCTGTTCCTTTCTATCCCACTTT-3'

ClinVar aggregate classification (germline): Pathogenic (1 of 4 stars; one submission).

Submission:

Labcorp Genetics (formerly Invitae), Labcorp
Classification: Pathogenic. Last evaluated: 2020-02-20. Review status: criteria provided, single submitter. Criteria: Invitae Variant Classification Sherloc (09022015). Collection method: clinical testing. Allele origin: germline.
Comment: This variant is not present in population databases (ExAC no frequency). For these reasons, this variant has been classified as Pathogenic. Loss-of-function variants in GLE1 are known to be pathogenic (PMID: 18204449, 24243016, 27684565). This variant has not been reported in the literature in individuals with GLE1-related conditions. This sequence change creates a premature translational stop signal (p.Arg515Hisfs*7) in the GLE1 gene. It is expected to result in an absent or disrupted protein product.

Literature cited by the submitters: PubMed 18204449; PubMed 24243016; PubMed 27684565.